The following is an entry in ClinVar:

ClinVar aggregate classification (germline): Uncertain significance (1 of 4 stars; one submission).

Allele frequency attached by ClinVar (database versions not stated): gnomAD exomes below 0.00001; TOPMed below 0.00001; gnomAD 0.00001.
gnomAD v4.1: 2 of 1,207,915 alleles (0.00017%); highest among the groups gnomAD compares: African/African-American, 0.0035%; no homozygotes.

Submission:

GeneDx
Classification: Uncertain significance. Last evaluated: 2023-02-16. Review status: criteria provided, single submitter. Criteria: GeneDx Variant Classification Process June 2021. Collection method: clinical testing. Allele origin: germline. Affected: yes.
Comment: Not observed at significant frequency in large population cohorts (gnomAD); In silico analysis supports that this missense variant does not alter protein structure/function; Has not been previously published as pathogenic or benign to our knowledge

NM_002547.3(OPHN1):c.1962C>A (p.Ser654Arg)

Gene: OPHN1 (oligophrenin 1; minus strand). Cytogenetic location: Xq12.
Variant type: single nucleotide variant.
Coding change: c.1962C>A on transcript NM_002547.3 (MANE Select); coding-DNA position 1962, C replaced by A.
Protein change: p.Ser654Arg; replaces serine 654 with arginine.
Molecular consequence: missense variant.
Genome position (GRCh38, 1-based): chrX:68,064,050, G>T on the plus strand (C>A on the coding strand, the complement: OPHN1 is on the minus strand). VCF-style: chrX-68064050-G-T. GRCh37 (hg19) VCF-style: chrX-67283892-G-T.
Other names: short protein forms S654R.
Identifiers: ClinVar variation 1722839 (VCV001722839.2), dbSNP rs2076903989, ClinGen allele CA413430637.